The following is an entry in ClinVar:

ClinVar aggregate classification (germline): Benign/Likely benign. Review status: criteria provided, multiple submitters, no conflicts (2 of 4 stars). 4 submissions from 4 submitters: Benign (2); Likely benign (2). Last evaluated 2026-03-01.

Allele frequency attached by ClinVar (database versions not stated): TOPMed 0.00362; 1000 Genomes Project 0.00519; 1000 Genomes Project 30x 0.00578.
gnomAD v4.1: 1,145 of 1,593,644 alleles (0.072%); highest among the groups gnomAD compares: African/African-American, 1.3%; 6 homozygotes.

Submissions (4):

CeGaT Center for Human Genetics Tuebingen
Classification: Likely benign. Last evaluated: 2026-03-01. Review status: criteria provided, single submitter. Criteria: CeGaT Center For Human Genetics Tuebingen Variant Classification Criteria Version 2. Collection method: clinical testing. Allele origin: germline. Affected: yes. Observed: 2 variant alleles.
Comment: CASZ1: BP4, BS1

Labcorp Genetics (formerly Invitae), Labcorp
Classification: Benign. Last evaluated: 2026-01-13. Review status: criteria provided, single submitter. Criteria: Invitae Variant Classification Sherloc (09022015). Collection method: clinical testing. Allele origin: germline.

Blueprint Genetics
Classification: Likely benign. Last evaluated: 2024-11-13. Review status: criteria provided, single submitter. Criteria: ACMG Guidelines, 2015. Collection method: clinical testing. Allele origin: germline.

Breakthrough Genomics
Classification: Benign. Review status: criteria provided, single submitter. Criteria: ACMG Guidelines, 2015. Collection method: not provided. Allele origin: germline. Inheritance: Unknown mechanism. Affected: yes.

NM_001079843.3(CASZ1):c.58G>T (p.Ala20Ser)

Gene: CASZ1 (castor zinc finger 1; minus strand). Cytogenetic location: 1p36.22.
Variant type: single nucleotide variant.
Coding change: c.58G>T on transcript NM_001079843.3 (MANE Select); coding-DNA position 58, G replaced by T.
Protein change: p.Ala20Ser; replaces alanine 20 with serine.
Molecular consequence: missense variant.
Genome position (GRCh38, 1-based): chr1:10,665,530, C>A on the plus strand (G>T on the coding strand, the complement: CASZ1 is on the minus strand). VCF-style: chr1-10665530-C-A. GRCh37 (hg19) VCF-style: chr1-10725587-C-A.
Other names: c.58G>T, p.Ala20Ser (NM_017766.5); short protein forms A20S.
Identifiers: ClinVar variation 782357 (VCV000782357.18), dbSNP rs76910492, ClinGen allele CA585546.
Genomic context (GRCh38, chr1:10,665,530, plus strand): 5'-GGCTCAGCTTGGCGCAGATGGCGTTCAGCTTCAGGCCACCCTTGCGTTTGGGCGCCATGG[C>A]GGGCTTGCCTGCAGGCGGGTCCGTGCACCGGGTGCCCTCAGCTGCAGGGATGGAGGAGAG-3'
Protein context (NP_001073312.1, residues 10-30): RCTDPPAGKP[Ala20Ser]MAPKRKGGLK